The following is an entry in ClinVar:

NM_006031.6(PCNT):c.3354G>A (p.Glu1118=)

Gene: PCNT (pericentrin; plus strand). Cytogenetic location: 21q22.3.
Variant type: single nucleotide variant.
Coding change: c.3354G>A on transcript NM_006031.6 (MANE Select); coding-DNA position 3354, G replaced by A.
Protein change: p.Glu1118=; no amino-acid change (glutamic acid 1118 retained).
Molecular consequence: synonymous variant.
Genome position (GRCh38, 1-based): chr21:46,385,873, G>A. VCF-style: chr21-46385873-G-A. GRCh37 (hg19) VCF-style: chr21-47805788-G-A.
Other names: c.3354G>A (NM_006031.5); c.3000G>A, p.Glu1000= (NM_001315529.2).
Identifiers: ClinVar variation 3015368 (VCV003015368.4), dbSNP rs1569233963, ClinGen allele CA512736997.

ClinVar aggregate classification (germline): Likely benign. Review status: criteria provided, single submitter (1 of 4 stars). 2 submissions from 2 submitters: Likely benign (1). 1 of the submissions does not count toward it. Last evaluated 2024-04-05.

Conditions:
PCNT-related disorder. Also called: PCNT-related condition.

Allele frequency attached by ClinVar (database versions not stated): gnomAD exomes below 0.00001.
gnomAD v4.1: 1 of 1,614,222 alleles (0.000062%); highest among the groups gnomAD compares: Non-Finnish European, 0.000085%; no homozygotes.

Submissions (2):

Labcorp Genetics (formerly Invitae), Labcorp
Classification: Likely benign. Last evaluated: 2024-04-05. Review status: criteria provided, single submitter. Criteria: Invitae Variant Classification Sherloc (09022015). Collection method: clinical testing. Allele origin: germline.

PreventionGenetics, part of Exact Sciences
Classification: Likely benign for PCNT-related condition. Last evaluated: 2022-04-13. Review status: no assertion criteria provided. Collection method: clinical testing. Allele origin: germline. Not counted in ClinVar's aggregate classification.
Comment: This variant is classified as likely benign based on ACMG/AMP sequence variant interpretation guidelines (Richards et al. 2015 PMID: 25741868, with internal and published modifications).